The following is an entry in ClinVar:

ClinVar aggregate classification (germline): Uncertain significance (1 of 4 stars; one submission).

gnomAD v4.1: 1 of 1,549,222 alleles (0.000065%); highest among the groups gnomAD compares: South Asian, 0.0012%; no homozygotes.

Submission:

CeGaT Center for Human Genetics Tuebingen
Classification: Uncertain significance. Last evaluated: 2025-05-01. Review status: criteria provided, single submitter. Criteria: CeGaT Center For Human Genetics Tuebingen Variant Classification Criteria Version 2. Collection method: clinical testing. Allele origin: germline. Affected: yes. Observed: 1 variant allele.
Comment: SHANK2: PS2:Moderate, BP4

NM_012309.5(SHANK2):c.397G>C (p.Val133Leu)

Gene: SHANK2 (SH3 and multiple ankyrin repeat domains 2; minus strand). Cytogenetic location: 11q13.4.
Variant type: single nucleotide variant.
Coding change: c.397G>C on transcript NM_012309.5 (MANE Select); coding-DNA position 397, G replaced by C.
Protein change: p.Val133Leu; replaces valine 133 with leucine.
Molecular consequence: missense variant.
Genome position (GRCh38, 1-based): chr11:71,118,843, C>G on the plus strand (G>C on the coding strand, the complement: SHANK2 is on the minus strand). VCF-style: chr11-71118843-C-G. GRCh37 (hg19) VCF-style: chr11-70829889-C-G.
Other names: short protein forms V133L.
Identifiers: ClinVar variation 3905476 (VCV003905476.10).